The following is an entry in ClinVar:

ClinVar aggregate classification (germline): Uncertain significance (1 of 4 stars; one submission).

Conditions:
Beckwith-Wiedemann syndrome (BWS). Also called: Exomphalos macroglossia gigantism syndrome; EMG SYNDROME. Identifiers: Orphanet 116, MedGen C0004903, MONDO:0007534, OMIM 130650.

Submission:

Labcorp Genetics (formerly Invitae), Labcorp
Classification: Uncertain significance for Beckwith-Wiedemann syndrome. Last evaluated: 2022-04-01. Review status: criteria provided, single submitter. Criteria: Invitae Variant Classification Sherloc (09022015). Collection method: clinical testing. Allele origin: germline.
Comment: In summary, the available evidence is currently insufficient to determine the role of this variant in disease. Therefore, it has been classified as a Variant of Uncertain Significance. Algorithms developed to predict the effect of missense changes on protein structure and function are either unavailable or do not agree on the potential impact of this missense change (SIFT: "Tolerated"; PolyPhen-2: "Not Available"; Align-GVGD: "Class C0"). This variant has not been reported in the literature in individuals affected with CDKN1C-related conditions. This variant is not present in population databases (gnomAD no frequency). This sequence change replaces valine, which is neutral and non-polar, with isoleucine, which is neutral and non-polar, at codon 153 of the CDKN1C protein (p.Val153Ile).

NM_001122630.2(CDKN1C):c.424G>A (p.Val142Ile)

Gene: CDKN1C (cyclin dependent kinase inhibitor 1C; minus strand). Cytogenetic location: 11p15.4.
Variant type: single nucleotide variant.
Coding change: c.424G>A on transcript NM_001122630.2 (MANE Select); coding-DNA position 424, G replaced by A.
Protein change: p.Val142Ile; replaces valine 142 with isoleucine.
Molecular consequence: missense variant. On other transcripts: intron variant (1).
Genome position (GRCh38, 1-based): chr11:2,885,033, C>T on the plus strand (G>A on the coding strand, the complement: CDKN1C is on the minus strand). VCF-style: chr11-2885033-C-T. GRCh37 (hg19) VCF-style: chr11-2906263-C-T.
Other names: c.457G>A, p.Val153Ile (NM_000076.2, NM_001362474.2); c.424G>A, p.Val142Ile (NM_001122631.2); c.255+169G>A (NM_001362475.2); short protein forms V142I, V153I.
Identifiers: ClinVar variation 2120533 (VCV002120533.4), dbSNP rs2494387903, ClinGen allele CA379146662.